The following is an entry in ClinVar:

NM_000093.5(COL5A1):c.4916G>A (p.Cys1639Tyr)

Genes: COL5A1 (collagen type V alpha 1 chain; plus strand), LOC101448202 (uncharacterized LOC101448202; minus strand). Cytogenetic location: 9q34.3.
Variant type: single nucleotide variant.
Coding change: c.4916G>A on transcript NM_000093.5 (MANE Select); coding-DNA position 4916, G replaced by A.
Protein change: p.Cys1639Tyr; replaces cysteine 1639 with tyrosine.
Molecular consequence: missense variant.
Genome position (GRCh38, 1-based): chr9:134,824,817, G>A. VCF-style: chr9-134824817-G-A. GRCh37 (hg19) VCF-style: chr9-137716663-G-A.
Other names: c.4916G>A, p.Cys1639Tyr (NM_001278074.1); short protein forms C1639Y.
Identifiers: ClinVar variation 2735373 (VCV002735373.3), dbSNP rs80338764, ClinGen allele CA375458717.

ClinVar aggregate classification (germline): Likely pathogenic (1 of 4 stars; one submission).

Conditions:
Ehlers-Danlos syndrome, classic type, 1 (EDSCL1). Also called: EHLERS-DANLOS SYNDROME, GRAVIS TYPE; EHLERS-DANLOS SYNDROME, SEVERE CLASSIC TYPE; Ehlers-Danlos syndrome, type 1; Ehlers-Danlos Syndrome, Classic Type, COL5A1-Related; EDS I. Identifiers: MedGen C0268335, MONDO:0019567, OMIM 130000.

Submission:

Labcorp Genetics (formerly Invitae), Labcorp
Classification: Likely pathogenic for Ehlers-Danlos syndrome, classic type, 1. Last evaluated: 2023-04-10. Review status: criteria provided, single submitter. Criteria: Invitae Variant Classification Sherloc (09022015). Collection method: clinical testing. Allele origin: germline.
Comment: Advanced modeling of protein sequence and biophysical properties (such as structural, functional, and spatial information, amino acid conservation, physicochemical variation, residue mobility, and thermodynamic stability) performed at Invitae indicates that this missense variant is expected to disrupt COL5A1 protein function. In summary, the currently available evidence indicates that the variant is pathogenic, but additional data are needed to prove that conclusively. Therefore, this variant has been classified as Likely Pathogenic. This variant disrupts the p.Cys1639 amino acid residue in COL5A1. Other variant(s) that disrupt this residue have been determined to be pathogenic (PMID: 9042913). This suggests that this residue is clinically significant, and that variants that disrupt this residue are likely to be disease-causing. This missense change has been observed in individual(s) with Ehlers-Danlos syndrome (PMID: 22696272). This variant is not present in population databases (gnomAD no frequency). This sequence change replaces cysteine, which is neutral and slightly polar, with tyrosine, which is neutral and polar, at codon 1639 of the COL5A1 protein (p.Cys1639Tyr).

Literature cited by the submitters: PubMed 9042913; PubMed 22696272.